The following is an entry in ClinVar:

NM_001384479.1(AGT):c.65C>G (p.Ala22Gly)

Gene: AGT (angiotensinogen; minus strand). Cytogenetic location: 1q42.2.
Variant type: single nucleotide variant.
Coding change: c.65C>G on transcript NM_001384479.1 (MANE Select); coding-DNA position 65, C replaced by G.
Protein change: p.Ala22Gly; replaces alanine 22 with glycine.
Molecular consequence: missense variant.
Genome position (GRCh38, 1-based): chr1:230,710,759, G>C on the plus strand (C>G on the coding strand, the complement: AGT is on the minus strand). VCF-style: chr1-230710759-G-C. GRCh37 (hg19) VCF-style: chr1-230846505-G-C.
Other names: c.65C>G, p.Ala22Gly (NM_001382817.3); short protein forms A22G.
Identifiers: ClinVar variation 1415360 (VCV001415360.8), dbSNP rs149973083, ClinGen allele CA1448389.

ClinVar aggregate classification (germline): Uncertain significance (1 of 4 stars; one submission).

Allele frequency attached by ClinVar (database versions not stated): gnomAD exomes 0.00001 and 0.00003; ExAC 0.00005; ESP Exome Variant Server 0.00008; gnomAD 0.00017 and 0.00018; TOPMed 0.00020.
gnomAD v4.1: 33 of 1,614,080 alleles (0.002%); highest among the groups gnomAD compares: African/African-American, 0.044%; no homozygotes.

Submission:

Labcorp Genetics (formerly Invitae), Labcorp
Classification: Uncertain significance. Last evaluated: 2025-01-23. Review status: criteria provided, single submitter. Criteria: Invitae Variant Classification Sherloc (09022015). Collection method: clinical testing. Allele origin: germline.
Comment: This sequence change replaces alanine, which is neutral and non-polar, with glycine, which is neutral and non-polar, at codon 31 of the AGT protein (p.Ala31Gly). This variant is present in population databases (rs149973083, gnomAD 0.05%). This variant has not been reported in the literature in individuals affected with AGT-related conditions. ClinVar contains an entry for this variant (Variation ID: 1415360). Invitae Evidence Modeling of protein sequence and biophysical properties (such as structural, functional, and spatial information, amino acid conservation, physicochemical variation, residue mobility, and thermodynamic stability) indicates that this missense variant is not expected to disrupt AGT protein function with a negative predictive value of 95%. In summary, the available evidence is currently insufficient to determine the role of this variant in disease. Therefore, it has been classified as a Variant of Uncertain Significance.